The following is an entry in ClinVar:

NC_000017.11:g.50189418_50189423delinsCGCCA

Gene: COL1A1 (collagen type I alpha 1 chain; minus strand). Cytogenetic location: 17q21.33.
Variant type: Indel.
Genome position: GRCh38 VCF-style: chr17-50189418-GGCCAG-CGCCA. GRCh37 (hg19) VCF-style: chr17-48266779-GGCCAG-CGCCA.
Other names: c.2783_2788delinsTGGCG, p.Pro928fs (LRG_1t1).
Identifiers: ClinVar variation 456757 (VCV000456757.3), dbSNP rs1555572456, ClinGen allele CA658656704.
Genomic context (GRCh38, chr17:50,189,418, plus strand): 5'-GATCTGAGCTGGCACTTACAGCAGGACCATCAGCACCAGGGGATCCTTTCTCGCCAGCAG[GGCCAG>CGCCA]GGGGACCAGGGGGACCAACTTCACCAGGACGTCCAGCAGGGCCAGTCTCACCACGGGGAC-3'

ClinVar aggregate classification (germline): Pathogenic (1 of 4 stars; one submission).

Conditions:
Osteogenesis imperfecta type I (OI1). Also called: OI, TYPE I; OSTEOGENESIS IMPERFECTA TARDA; OSTEOGENESIS IMPERFECTA WITH BLUE SCLERAE; Osteogenesis imperfecta type 1; Lobstein's Disease; Lobstein disease. Identifiers: Orphanet 216796, Orphanet 666, MedGen C0023931, MONDO:0008146, OMIM 166200. Disease mechanism: loss of function.

Submission:

Labcorp Genetics (formerly Invitae), Labcorp
Classification: Pathogenic for Osteogenesis imperfecta type I. Last evaluated: 2022-04-08. Review status: criteria provided, single submitter. Criteria: Invitae Variant Classification Sherloc (09022015). Collection method: clinical testing. Allele origin: germline.
Comment: For these reasons, this variant has been classified as Pathogenic. This variant has not been reported in the literature in individuals affected with COL1A1-related conditions. This variant is not present in population databases (gnomAD no frequency). This sequence change creates a premature translational stop signal (p.Pro928Leufs*180) in the COL1A1 gene. It is expected to result in an absent or disrupted protein product. Loss-of-function variants in COL1A1 are known to be pathogenic (PMID: 7942841, 9295084, 9443882).

Literature cited by the submitters: PubMed 7942841; PubMed 9295084; PubMed 9443882.